The following is an entry in ClinVar:

NM_000406.3(GNRHR):c.436C>T (p.Pro146Ser)

Gene: GNRHR (gonadotropin releasing hormone receptor; minus strand). Cytogenetic location: 4q13.2.
Variant type: single nucleotide variant.
Coding change: c.436C>T on transcript NM_000406.3 (MANE Select); coding-DNA position 436, C replaced by T.
Protein change: p.Pro146Ser; replaces proline 146 with serine.
Molecular consequence: missense variant.
Genome position (GRCh38, 1-based): chr4:67,753,900, G>A on the plus strand (C>T on the coding strand, the complement: GNRHR is on the minus strand). VCF-style: chr4-67753900-G-A. GRCh37 (hg19) VCF-style: chr4-68619618-G-A.
Other names: c.436C>T, p.Pro146Ser (NM_001012763.2); short protein forms P146S.
Identifiers: ClinVar variation 449413 (VCV000449413.25), dbSNP rs144900788, ClinGen allele CA2938940.
Genomic context (GRCh38, chr4:67,753,900, plus strand): 5'-GGATCCAGGCCAGGCCAACCATGGACTGTCCGACTTTGCTGTTGCTTTTCAAAGCTAGGG[G>A]CCTCGTGATAGCCAGGGAGCGGTCCAGGCTGATCACCACCATCATGAAGGCTGGGGCATA-3'
Protein context (NP_000397.1, residues 136-156): SLDRSLAITR[Pro146Ser]LALKSNSKVG

ClinVar aggregate classification (germline): Conflicting classifications of pathogenicity. Review status: criteria provided, conflicting classifications (1 of 4 stars). 8 submissions from 8 submitters: Uncertain significance (6); Likely benign (1). 1 of the submissions does not count toward it. Last evaluated 2025-10-02.

Conditions:
Hypogonadotropic hypogonadism 7 with or without anosmia (HH7). Also called: HYPOGONADOTROPIC HYPOGONADISM 7 WITHOUT ANOSMIA; GNRHR-Related GnRH Deficiency. Identifiers: Orphanet 432, MedGen C0342384, MONDO:0007794, OMIM 146110.
GNRHR-related disorder. Also called: GNRHR-related condition.

Allele frequency attached by ClinVar (database versions not stated): ESP Exome Variant Server 0.00046; 1000 Genomes Project 0.00060; gnomAD 0.00073 and 0.00076; 1000 Genomes Project 30x 0.00078; TOPMed 0.00092; gnomAD exomes 0.00110 and 0.00127; ExAC 0.00132.
gnomAD v4.1: 1,711 of 1,613,728 alleles (0.11%); highest among the groups gnomAD compares: Admixed American, 0.31%; 4 homozygotes.

Submissions (8):

Labcorp Genetics (formerly Invitae), Labcorp
Classification: Likely benign. Last evaluated: 2025-10-02. Review status: criteria provided, single submitter. Criteria: Invitae Variant Classification Sherloc (09022015). Collection method: clinical testing. Allele origin: germline.

Blueprint Genetics
Classification: Uncertain significance. Last evaluated: 2024-11-20. Review status: criteria provided, single submitter. Criteria: ACMG Guidelines, 2015. Collection method: clinical testing. Allele origin: germline.

GeneDx
Classification: Uncertain significance. Last evaluated: 2024-06-03. Review status: criteria provided, single submitter. Criteria: GeneDx Variant Classification Process June 2021. Collection method: clinical testing. Allele origin: germline. Affected: yes.
Comment: Reported in the published literature in association with hypogonadotropic hypogonadism (PMID: 16359986, 22745237, 20696889, 34198905); In silico analysis supports that this missense variant has a deleterious effect on protein structure/function; This variant is associated with the following publications: (PMID: 9425890, 16359986, 23643382, 22745237, 20389088, 20696889, 34426522, 22679506, 37958948, 21645587, 30575316, 27884859, 34198905, 34403359, 30921766, 36110220, 21736917)

Genetic Services Laboratory, University of Chicago
Classification: Uncertain significance. Last evaluated: 2020-01-07. Review status: criteria provided, single submitter. Criteria: ACMG Guidelines, 2015. Collection method: clinical testing. Allele origin: germline. Affected: no.
Comment: DNA sequence analysis of the GNRHR gene demonstrated a sequence change, c.436C>T, in exon 1 that results in an amino acid change, p.Pro146Ser. This sequence change has been described in the gnomAD database with a population frequency of 0.38% in Latino subpopulations and it has been observed in one individual in the homozygous state (dbSNP rs144900788). This sequence change was identified in the heterozygous state in individuals with normosmic idiopathic hypogonadotropic hypogonadism and Kallmann syndrome but a second pathogenic change in this gene was not identified (PMID: 22745237 and PMID: 16359986). The p.Pro146Ser change affects a highly conserved amino acid residue located in a domain of the GNRHR protein that is known to be functional. The p.Pro146Ser substitution appears to be deleterious using several in-silico pathogenicity prediction tools (SIFT, PolyPhen2, Align GVGD, REVEL). Due to these contrasting evidences and the lack of functional studies, the clinical significance of the p.Pro146Ser change remains unknown at this time.

Mendelics
Classification: Uncertain significance for Hypogonadotropic hypogonadism 7 with or without anosmia. Last evaluated: 2019-05-28. Review status: criteria provided, single submitter. Criteria: Mendelics Assertion Criteria 2017. Collection method: clinical testing. Allele origin: unknown.

Fulgent Genetics
Classification: Uncertain significance for Hypogonadotropic hypogonadism 7 with or without anosmia. Last evaluated: 2018-10-31. Review status: criteria provided, single submitter. Criteria: ACMG Guidelines, 2015. Collection method: clinical testing. Allele origin: unknown.

Illumina Laboratory Services, Illumina
Classification: Uncertain significance for Hypogonadotropic hypogonadism 7 with or without anosmia. Last evaluated: 2017-12-15. Review status: criteria provided, single submitter. Criteria: ICSL Variant Classification Criteria 13 December 2019. Collection method: clinical testing. Allele origin: germline.
Comment: This variant was observed as part of a predisposition screen in an ostensibly healthy population. A literature search was performed for the gene, cDNA change, and amino acid change (where applicable). Publications were found based on this search. However, the evidence from the literature, in combination with allele frequency data from public databases where available, was not sufficient to rule this variant in or out of causing disease. Therefore, this variant is classified as a variant of unknown significance.

PreventionGenetics, part of Exact Sciences
Classification: Uncertain significance for GNRHR-related condition. Last evaluated: 2024-02-27. Review status: no assertion criteria provided. Collection method: clinical testing. Allele origin: germline. Not counted in ClinVar's aggregate classification.
Comment: The GNRHR c.436C>T variant is predicted to result in the amino acid substitution p.Pro146Ser. This variant has been reported in the heterozygous state in several patients with hypogonadotropic hypogonadism/Kallmann syndrome (see, for example, Vagenakis et al. 2005. PubMed ID: 16359986; Gianetti et al. 2012. PubMed ID: 22745237; Miraoui et al. 2013. PubMed ID: 23643382, Table S3; Stamou et al. 2019. PubMed ID: 30921766), delayed puberty (Saengkaew et al. 2021. PubMed ID: 34403359), or a suspected disorder of sex development (Zidoune et al. 2022. PubMed ID: 36110220, supplementary data). However, a second pathogenic variant was not identified in these patients. In addition, no genetic or functional study has been performed to assess the pathogenicity of this variant. This variant has been observed with an allele frequency of up to ~0.38% in Latino individuals from a large population database, including 1 homozygote. At this time, the clinical significance of this variant is uncertain due to the absence of conclusive functional and genetic evidence.

Literature cited by the submitters: PubMed 21645587 (cited by Illumina Laboratory Services, Illumina); PubMed 21736917 (cited by Illumina Laboratory Services, Illumina); PubMed 27884859 (cited by Illumina Laboratory Services, Illumina); PubMed 23643382 (cited by Illumina Laboratory Services, Illumina); PubMed 16359986 (cited by Illumina Laboratory Services, Illumina); PubMed 20389088 (cited by Illumina Laboratory Services, Illumina); PubMed 22745237 (cited by Illumina Laboratory Services, Illumina); PubMed 22679506 (cited by Illumina Laboratory Services, Illumina); PubMed 20696889 (cited by Illumina Laboratory Services, Illumina).